The following is an entry in ClinVar:

ClinVar aggregate classification (germline): Uncertain significance. Review status: criteria provided, multiple submitters, no conflicts (2 of 4 stars). 6 submissions from 6 submitters: Uncertain significance (4). 2 of the submissions do not count toward it. Last evaluated 2026-01-26.

Conditions:
Methylmalonic aciduria due to methylmalonyl-CoA mutase deficiency (MAMM). Also called: Methylmalonic aciduria, mut type. Identifiers: Orphanet 27, MedGen C1855114, MONDO:0009612, OMIM 251000.

Allele frequency attached by ClinVar (database versions not stated): gnomAD 0.00001 and 0.00004; TOPMed 0.00001; gnomAD exomes 0.00009 and 0.00019; 1000 Genomes Project 30x 0.00016; ExAC 0.00016; 1000 Genomes Project 0.00020.
gnomAD v4.1: 133 of 1,614,132 alleles (0.0082%); highest among the groups gnomAD compares: South Asian, 0.14%; 1 homozygote.

Submissions (6):

Labcorp Genetics (formerly Invitae), Labcorp
Classification: Uncertain significance. Last evaluated: 2026-01-26. Review status: criteria provided, single submitter. Criteria: Invitae Variant Classification Sherloc (09022015). Collection method: clinical testing. Allele origin: germline.
Comment: This sequence change replaces threonine, which is neutral and polar, with alanine, which is neutral and non-polar, at codon 636 of the MUT protein (p.Thr636Ala). This variant is present in population databases (rs569669261, gnomAD 0.1%). This variant has not been reported in the literature in individuals affected with MUT-related conditions. ClinVar contains an entry for this variant (Variation ID: 1205984). Invitae Evidence Modeling of protein sequence and biophysical properties (such as structural, functional, and spatial information, amino acid conservation, physicochemical variation, residue mobility, and thermodynamic stability) indicates that this missense variant is expected to disrupt MUT protein function with a positive predictive value of 95%. In summary, the available evidence is currently insufficient to determine the role of this variant in disease. Therefore, it has been classified as a Variant of Uncertain Significance.

Blueprint Genetics
Classification: Uncertain significance. Last evaluated: 2024-10-23. Review status: criteria provided, single submitter. Criteria: ACMG Guidelines, 2015. Collection method: clinical testing. Allele origin: germline.

Revvity Omics, Revvity
Classification: Uncertain significance for Methylmalonic aciduria due to methylmalonyl-CoA mutase deficiency. Last evaluated: 2022-07-22. Review status: criteria provided, single submitter. Criteria: ACMG Guidelines, 2015. Collection method: clinical testing. Allele origin: germline.

Fulgent Genetics
Classification: Uncertain significance for Methylmalonic aciduria due to methylmalonyl-CoA mutase deficiency. Last evaluated: 2021-12-06. Review status: criteria provided, single submitter. Criteria: ACMG Guidelines, 2015. Collection method: clinical testing. Allele origin: unknown.

Clinical Genetics DNA and cytogenetics Diagnostics Lab, Erasmus MC, Erasmus Medical Center
Classification: Uncertain significance. Review status: no assertion criteria provided. Collection method: clinical testing. Allele origin: germline. Affected: yes. Study: VKGL Data-share Consensus. Not counted in ClinVar's aggregate classification.

Laboratory of Diagnostic Genome Analysis, Leiden University Medical Center (LUMC)
Classification: Uncertain significance. Review status: no assertion criteria provided. Collection method: clinical testing. Allele origin: germline. Affected: yes. Study: VKGL Data-share Consensus. Not counted in ClinVar's aggregate classification.

NM_000255.4(MMUT):c.1906A>G (p.Thr636Ala)

Gene: MMUT (methylmalonyl-CoA mutase; minus strand). Cytogenetic location: 6p12.3.
Variant type: single nucleotide variant.
Coding change: c.1906A>G on transcript NM_000255.4 (MANE Select); coding-DNA position 1906, A replaced by G.
Protein change: p.Thr636Ala; replaces threonine 636 with alanine.
Molecular consequence: missense variant.
Genome position (GRCh38, 1-based): chr6:49,440,256, T>C on the plus strand (A>G on the coding strand, the complement: MMUT is on the minus strand). VCF-style: chr6-49440256-T-C. GRCh37 (hg19) VCF-style: chr6-49407969-T-C.
Other names: short protein forms T636A.
Identifiers: ClinVar variation 1205984 (VCV001205984.11), dbSNP rs569669261, ClinGen allele CA3846713.